The following is an entry in ClinVar:

NM_006904.7(PRKDC):c.5453C>T (p.Ser1818Phe)

Gene: PRKDC (protein kinase, DNA-activated, catalytic subunit; minus strand). Cytogenetic location: 8q11.21.
Variant type: single nucleotide variant.
Coding change: c.5453C>T on transcript NM_006904.7 (MANE Select); coding-DNA position 5453, C replaced by T.
Protein change: p.Ser1818Phe; replaces serine 1818 with phenylalanine.
Molecular consequence: missense variant.
Genome position (GRCh38, 1-based): chr8:47,864,674, G>A on the plus strand (C>T on the coding strand, the complement: PRKDC is on the minus strand). VCF-style: chr8-47864674-G-A. GRCh37 (hg19) VCF-style: chr8-48777235-G-A.
Other names: c.5453C>T, p.Ser1818Phe (NM_001081640.2); short protein forms S1818F.
Identifiers: ClinVar variation 2497410 (VCV002497410.2), dbSNP rs2551871028, ClinGen allele CA371163529.

ClinVar aggregate classification (germline): Uncertain significance (1 of 4 stars; one submission).

Submission:

Ambry Genetics
Classification: Uncertain significance. Last evaluated: 2022-12-11. Review status: criteria provided, single submitter. Criteria: Ambry Variant Classification Scheme 2023. Collection method: clinical testing. Allele origin: germline.
Comment: The p.S1818F variant (also known as c.5453C>T), located in coding exon 41 of the PRKDC gene, results from a C to T substitution at nucleotide position 5453. The serine at codon 1818 is replaced by phenylalanine, an amino acid with highly dissimilar properties. This amino acid position is conserved. Since supporting evidence is limited at this time, the clinical significance of this alteration remains unclear.